The following is an entry in ClinVar:

ClinVar aggregate classification (germline): Uncertain significance (1 of 4 stars; one submission).

Submission:

Ambry Genetics
Classification: Uncertain significance. Last evaluated: 2022-12-08. Review status: criteria provided, single submitter. Criteria: Ambry Variant Classification Scheme 2023. Collection method: clinical testing. Allele origin: germline.
Comment: The p.P2781A variant (also known as c.8341C>G), located in coding exon 61 of the PRKDC gene, results from a C to G substitution at nucleotide position 8341. The proline at codon 2781 is replaced by alanine, an amino acid with highly similar properties. This amino acid position is conserved. In addition, this alteration is predicted to be deleterious by in silico analysis. Since supporting evidence is limited at this time, the clinical significance of this alteration remains unclear.

NM_006904.7(PRKDC):c.8341C>G (p.Pro2781Ala)

Gene: PRKDC (protein kinase, DNA-activated, catalytic subunit; minus strand). Cytogenetic location: 8q11.21.
Variant type: single nucleotide variant.
Coding change: c.8341C>G on transcript NM_006904.7 (MANE Select); coding-DNA position 8341, C replaced by G.
Protein change: p.Pro2781Ala; replaces proline 2781 with alanine.
Molecular consequence: missense variant.
Genome position (GRCh38, 1-based): chr8:47,830,661, G>C on the plus strand (C>G on the coding strand, the complement: PRKDC is on the minus strand). VCF-style: chr8-47830661-G-C. GRCh37 (hg19) VCF-style: chr8-48743222-G-C.
Other names: c.8341C>G, p.Pro2781Ala (NM_001081640.2); short protein forms P2781A.
Identifiers: ClinVar variation 2449834 (VCV002449834.2), dbSNP rs2551866619, ClinGen allele CA371146925.